The following is an entry in ClinVar:

ClinVar aggregate classification (germline): Uncertain significance. Review status: criteria provided, single submitter (1 of 4 stars). 2 submissions from 2 submitters: Uncertain significance (1). 1 of the submissions does not count toward it. Last evaluated 2023-03-09.

Conditions:
Intellectual developmental disorder with microcephaly and with or without ocular malformations or hypogonadotropic hypogonadism. Also called: Intellectual disability, autosomal dominant 27; Coffin-Siris Syndrome 9. Identifiers: Orphanet 1465, MedGen C4014528, MONDO:0014376, OMIM 615866.

Submissions (2):

SIB Swiss Institute of Bioinformatics
Classification: Uncertain significance for Intellectual developmental disorder with microcephaly and with or without ocular malformations or hypogonadotropic hypogonadism. Last evaluated: 2023-03-09. Review status: criteria provided, single submitter. Criteria: ACMG Guidelines, 2015. Collection method: curation. Allele origin: unknown.
Comment: This variant is interpreted as variant of uncertain significance for Intellectual developmental disorder with microcephaly and with or without ocular malformations or hypogonadotropic hypogonadism, autosomal dominant. The following ACMG Tag(s) were applied: Absent from controls (or at extremely low frequency if recessive) in Exome Sequencing Project, 1000 Genomes Project, or Exome Aggregation Consortium (PM2); Cosegregation with disease in multiple affected family members in a gene definitively known to cause the disease (PP1); Multiple lines of computational evidence support a deleterious effect on the gene or gene product (PP3).

OMIM
Classification: Pathogenic for INTELLECTUAL DEVELOPMENTAL DISORDER WITH MICROCEPHALY AND OCULAR MALFORMATIONS. Last evaluated: 2023-02-06. Review status: no assertion criteria provided. Collection method: literature only. Allele origin: germline. Not counted in ClinVar's aggregate classification.

Literature cited by the submitters: PubMed 33785884 (cited by SIB Swiss Institute of Bioinformatics and OMIM).

NM_003108.4(SOX11):c.139G>A (p.Gly47Ser)

Gene: SOX11 (SRY-box transcription factor 11; plus strand). Cytogenetic location: 2p25.2.
Variant type: single nucleotide variant.
Coding change: c.139G>A on transcript NM_003108.4 (MANE Select); coding-DNA position 139, G replaced by A.
Protein change: p.Gly47Ser; replaces glycine 47 with serine.
Molecular consequence: missense variant.
Genome position (GRCh38, 1-based): chr2:5,692,860, G>A. VCF-style: chr2-5692860-G-A. GRCh37 (hg19) VCF-style: chr2-5832992-G-A.
Other names: short protein forms G47S.
Identifiers: ClinVar variation 2443023 (VCV002443023.2), dbSNP rs2465087374, ClinGen allele CA345866021.